The following is an entry in ClinVar:

NM_015338.6(ASXL1):c.4397G>T (p.Gly1466Val)

Gene: ASXL1 (ASXL transcriptional regulator 1; plus strand). Cytogenetic location: 20q11.21.
Variant type: single nucleotide variant.
Coding change: c.4397G>T on transcript NM_015338.6 (MANE Select); coding-DNA position 4397, G replaced by T.
Protein change: p.Gly1466Val; replaces glycine 1466 with valine.
Molecular consequence: missense variant.
Genome position (GRCh38, 1-based): chr20:32,437,109, G>T. VCF-style: chr20-32437109-G-T. GRCh37 (hg19) VCF-style: chr20-31024912-G-T.
Other names: c.4214G>T, p.Gly1405Val (NM_001363734.1); short protein forms G1405V, G1466V.
Identifiers: ClinVar variation 4587924 (VCV004587924.1).

ClinVar aggregate classification (germline): Uncertain significance (1 of 4 stars; one submission).

Conditions:
Inborn genetic diseases. Identifiers: MedGen C0950123, MeSH D030342.

gnomAD v4.1: 8 of 1,614,128 alleles (0.0005%); highest among the groups gnomAD compares: Non-Finnish European, 0.00068%; no homozygotes.

Submission:

Ambry Genetics
Classification: Uncertain significance for Inborn genetic diseases. Last evaluated: 2025-10-16. Review status: criteria provided, single submitter. Criteria: Ambry Variant Classification Scheme 2023. Collection method: clinical testing. Allele origin: germline.
Comment: The p.G1466V variant (also known as c.4397G>T), located in coding exon 13 of the ASXL1 gene, results from a G to T substitution at nucleotide position 4397. The glycine at codon 1466 is replaced by valine, an amino acid with dissimilar properties. This amino acid position is conserved. In addition, the in silico prediction for this alteration is inconclusive. Based on the available evidence, the clinical significance of this variant remains unclear.